The following is an entry in ClinVar:

NM_007118.4(TRIO):c.1630G>A (p.Val544Met)

Gene: TRIO (trio Rho guanine nucleotide exchange factor; plus strand). Cytogenetic location: 5p15.2.
Variant type: single nucleotide variant.
Coding change: c.1630G>A on transcript NM_007118.4 (MANE Select); coding-DNA position 1630, G replaced by A.
Protein change: p.Val544Met; replaces valine 544 with methionine.
Molecular consequence: missense variant. On other transcripts: non-coding transcript variant (1).
Genome position (GRCh38, 1-based): chr5:14,316,642, G>A. VCF-style: chr5-14316642-G-A. GRCh37 (hg19) VCF-style: chr5-14316751-G-A.
Other names: short protein forms V544M.
Identifiers: ClinVar variation 5002740 (VCV005002740.1).

ClinVar aggregate classification (germline): Uncertain significance (1 of 4 stars; one submission).

Conditions:
Intellectual developmental disorder, autosomal dominant 44, with microcephaly. Also called: Micrognathia-recurrent infections-behavioral abnormalities-mild intellectual disability syndrome; TRIO-Related Intellectual Disability. Identifiers: Orphanet 476126, MedGen C4310740, MONDO:0014892, OMIM 617061.

Submission:

OLLIN Analises Genomicas, OLLIN
Classification: Uncertain significance for Intellectual developmental disorder, autosomal dominant 44, with microcephaly. Last evaluated: 2026-08-06. Review status: criteria provided, single submitter. Criteria: ACMG Guidelines 2015 PMID 25741868. Collection method: clinical testing. Allele origin: germline. Inheritance: Autosomal dominant inheritance.
Comment: This missense variant, located in exon 9 (of 57), is absent from gnomAD and has not been identified in the literature. However, it has been reported in ClinVar (accession VCV001315411.3). In silico analysis is inconclusive regarding the impact of this variant. This gene is constrained for missense variation. According to the currently available evidence, this variant has been classified as uncertain significance (PM2_P, PP2).